The following is an entry in ClinVar:

NM_005245.4(FAT1):c.1520_1521del (p.His507fs)

Gene: FAT1 (FAT atypical cadherin 1; minus strand). Cytogenetic location: 4q35.2.
Variant type: Deletion.
Coding change: c.1520_1521del on transcript NM_005245.4 (MANE Select); coding-DNA positions 1520 to 1521, 2 bases deleted (AT; older notation c.1520_1521delAT).
Protein change: p.His507fs; shifts the reading frame from histidine 507.
Molecular consequence: frameshift variant.
Genome position (GRCh38, 1-based): chr4:186,708,307-186,708,308, AT deleted on the plus strand (AT on the coding strand, the reverse complement: FAT1 is on the minus strand). VCF-style (leftmost placement, unchanged base first): chr4-186708306-CAT-C. GRCh37 (hg19) VCF-style: chr4-187629460-CAT-C.
Other names: c.1520_1521del, p.His507fs (NM_001440455.1, NM_001440456.1, NM_001440457.1); short protein forms H507fs.
Identifiers: ClinVar variation 5043519 (VCV005043519.1).

ClinVar aggregate classification (germline): Likely pathogenic (1 of 4 stars; one submission).

Conditions:
FAT1-related disorder. Also called: FAT1-related condition.

Submission:

Lupski Lab, Baylor-Hopkins CMG, Baylor College of Medicine
Classification: Likely pathogenic for FAT1-related disease. Last evaluated: 2026-10-07. Review status: criteria provided, single submitter. Criteria: ACMG Guidelines, 2015. Collection method: research. Allele origin: biparental. Affected: yes. Observed: 1 variant allele, 1 homozygote.
Comment: This c.1520_1521del (p.His507ArgfsTer6) variant is a two-base-pair deletion in FAT1 that causes a frameshift and introduces a premature stop codon 6 residues downstream. It is predicted to result in a null allele, Loss-of-function variants in FAT1 are known to be disease causing (PMID: 30862798)(PVS1 = +8 pts). It is extremely rare in population databases (PM2_Supporting = +1 pt). 9 pts (PVS1 +8, PM2 +1), consistent with a likely pathogenic interpretation.

Literature cited by the submitters: PubMed 30862798.